The following is an entry in ClinVar:

NM_001844.5(COL2A1):c.2288_2290delinsTCT (p.Pro763_Lys764delinsLeuTer)

Gene: COL2A1 (collagen type II alpha 1 chain; minus strand). Cytogenetic location: 12q13.11.
Variant type: Indel.
Coding change: c.2288_2290delinsTCT on transcript NM_001844.5 (MANE Select); coding-DNA positions 2288 to 2290, CCA replaced by TCT.
Protein change: p.Pro763_Lys764delinsLeuTer.
Molecular consequence: nonsense.
Genome position (GRCh38, 1-based): chr12:47,982,513-47,982,515, TGG replaced by AGA on the plus strand (CCA replaced by TCT on the coding strand, the reverse complement: COL2A1 is on the minus strand). VCF-style: chr12-47982513-TGG-AGA. GRCh37 (hg19) VCF-style: chr12-48376296-TGG-AGA.
Other names: c.2081_2083delinsTCT, p.Pro694_Lys695delinsLeuTer (NM_033150.3).
Identifiers: ClinVar variation 1216085 (VCV001216085.3), dbSNP rs2136548888, ClinGen allele CA2499221665.

ClinVar aggregate classification (germline): Pathogenic (1 of 4 stars; one submission).

Submission:

GeneDx
Classification: Pathogenic. Last evaluated: 2020-08-31. Review status: criteria provided, single submitter. Criteria: GeneDx Variant Classification Process June 2021. Collection method: clinical testing. Allele origin: germline. Affected: yes.
Comment: Has not been previously published as pathogenic or benign to our knowledge; Not observed in large population cohorts (Lek et al., 2016); Deletion and insertion of three nucleotide bases, resulting in a premature stop codon, predicted to result in protein truncation or nonsense mediated decay in a gene for which loss-of-function is a known mechanism of disease